The following is an entry in ClinVar:

ClinVar aggregate classification (germline): Likely benign (1 of 4 stars; one submission).

gnomAD v4.1: 113 of 1,613,468 alleles (0.007%); highest among the groups gnomAD compares: Admixed American, 0.032%; no homozygotes.

Submission:

CeGaT Center for Human Genetics Tuebingen
Classification: Likely benign. Last evaluated: 2026-04-01. Review status: criteria provided, single submitter. Criteria: CeGaT Center For Human Genetics Tuebingen Variant Classification Criteria Version 2. Collection method: clinical testing. Allele origin: germline. Affected: yes. Observed: 1 variant allele.
Comment: TM2D3: BP4, BP7

NM_078474.3(TM2D3):c.696C>T (p.Leu232=)

Gene: TM2D3 (TM2 domain containing 3; minus strand). Cytogenetic location: 15q26.3.
Variant type: single nucleotide variant.
Coding change: c.696C>T on transcript NM_078474.3 (MANE Select); coding-DNA position 696, C replaced by T.
Protein change: p.Leu232=; no amino-acid change (leucine 232 retained).
Molecular consequence: synonymous variant. On other transcripts: intron variant (2).
Genome position (GRCh38, 1-based): chr15:101,642,527, G>A on the plus strand (C>T on the coding strand, the complement: TM2D3 is on the minus strand). VCF-style: chr15-101642527-G-A. GRCh37 (hg19) VCF-style: chr15-102182730-G-A.
Other names: c.618C>T, p.Leu206= (NM_025141.4); c.500+2560C>T (NM_001307960.2); c.578+2560C>T (NM_001308026.2).
Identifiers: ClinVar variation 4872209 (VCV004872209.2).